The following is an entry in ClinVar:

NM_153460.4(IL17RC):c.877+3G>A

Gene: IL17RC (interleukin 17 receptor C; plus strand). Cytogenetic location: 3p25.3.
Variant type: single nucleotide variant.
Coding change: c.877+3G>A on transcript NM_153460.4 (MANE Select); 3 bases into the intron after coding-DNA position 877, G replaced by A.
Molecular consequence: intron variant.
Genome position (GRCh38, 1-based): chr3:9,928,223, G>A. VCF-style: chr3-9928223-G-A. GRCh37 (hg19) VCF-style: chr3-9969907-G-A.
Other names: c.1090+3G>A (NM_153461.4); c.877+3G>A (NM_001203263.2, NM_001203264.2); c.838+3G>A (NM_001367278.1); c.832+3G>A (NM_032732.6, NM_001367280.1, NM_001203265.2); c.757+3G>A (NM_001367279.1).
Identifiers: ClinVar variation 1426943 (VCV001426943.6), dbSNP rs778675410, ClinGen allele CA2247026.

ClinVar aggregate classification (germline): Uncertain significance (1 of 4 stars; one submission).

Conditions:
Candidiasis, familial, 9 (CANDF9). Identifiers: Orphanet 1334, MedGen C4225324, MONDO:0014642, OMIM 616445.

Allele frequency attached by ClinVar (database versions not stated): TOPMed 0.00001; ExAC 0.00002; gnomAD 0.00001; gnomAD exomes 0.00001.
gnomAD v4.1: 4 of 1,605,788 alleles (0.00025%); highest among the groups gnomAD compares: Admixed American, 0.0017%; no homozygotes.

Submission:

Labcorp Genetics (formerly Invitae), Labcorp
Classification: Uncertain significance for Candidiasis, familial, 9. Last evaluated: 2022-06-28. Review status: criteria provided, single submitter. Criteria: Invitae Variant Classification Sherloc (09022015). Collection method: clinical testing. Allele origin: germline.
Comment: This sequence change falls in intron 10 of the IL17RC gene. It does not directly change the encoded amino acid sequence of the IL17RC protein. It affects a nucleotide within the consensus splice site. This variant is present in population databases (rs778675410, gnomAD 0.002%). This variant has not been reported in the literature in individuals affected with IL17RC-related conditions. In summary, the available evidence is currently insufficient to determine the role of this variant in disease. Therefore, it has been classified as a Variant of Uncertain Significance. Variants that disrupt the consensus splice site are a relatively common cause of aberrant splicing (PMID: 17576681, 9536098). Algorithms developed to predict the effect of sequence changes on RNA splicing suggest that this variant is not likely to affect RNA splicing.

Literature cited by the submitters: PubMed 17576681; PubMed 9536098.